The following is an entry in ClinVar:

ClinVar aggregate classification (germline): Uncertain significance (1 of 4 stars; one submission).

Conditions:
Inborn genetic diseases. Identifiers: MedGen C0950123, MeSH D030342.

gnomAD v4.1: 1 of 1,406,596 alleles (0.000071%); highest among the groups gnomAD compares: Non-Finnish European, 0.000092%; no homozygotes.

Submission:

Ambry Genetics
Classification: Uncertain significance for Inborn genetic diseases. Last evaluated: 2023-02-08. Review status: criteria provided, single submitter. Criteria: Ambry Variant Classification Scheme 2023. Collection method: clinical testing. Allele origin: germline.
Comment: The c.523G>T (p.G175C) alteration is located in exon 1 (coding exon 1) of the ARID1B gene. This alteration results from a G to T substitution at nucleotide position 523, causing the glycine (G) at amino acid position 175 to be replaced by a cysteine (C). This variant was not reported in population-based cohorts in the Genome Aggregation Database (gnomAD). This amino acid position is well conserved in available vertebrate species with limited sequence alignment. This alteration is predicted to be tolerated by in silico analysis. Based on insufficient or conflicting evidence, the clinical significance of this alteration remains unclear.

NM_001374828.1(ARID1B):c.772G>T (p.Gly258Cys)

Genes: ARID1B (AT-rich interaction domain 1B; plus strand), LOC115308161 (uncharacterized LOC115308161; minus strand), LOC129997525 (ATAC-STARR-seq lymphoblastoid silent region 17712; plus strand). Cytogenetic location: 6q25.3.
Variant type: single nucleotide variant.
Coding change: c.772G>T on transcript NM_001374828.1 (MANE Select); coding-DNA position 772, G replaced by T.
Protein change: p.Gly258Cys; replaces glycine 258 with cysteine.
Molecular consequence: missense variant. On other transcripts: non-coding transcript variant (1).
Genome position (GRCh38, 1-based): chr6:156,778,452, G>T. VCF-style: chr6-156778452-G-T. GRCh37 (hg19) VCF-style: chr6-157099586-G-T.
Other names: c.523G>T, p.Gly175Cys (NM_001346813.1, NM_020732.3); c.772G>T, p.Gly258Cys (NM_001371656.1, NM_001374820.1, NM_017519.3); c.349G>T, p.Gly117Cys (NM_175863.2); short protein forms G258C, G175C, G117C.
Identifiers: ClinVar variation 2339084 (VCV002339084.3), dbSNP rs1778851689, ClinGen allele CA366382074.
Genomic context (GRCh38, chr6:156,778,452, plus strand): 5'-GAGCAGCCGCAACATGGAGGCGCCAAGGACAGTGCTGCGGGCGGCCAGGCCGACCCCCCG[G>T]GCCCGCCGCTGCTGAGCAAGCCGGGCGACGAGGACGACGCGCCGCCCAAGATGGGGGAGC-3'
Protein context (NP_001361757.1, residues 248-268): SAAGGQADPP[Gly258Cys]PPLLSKPGDE